The following is an entry in ClinVar:

NM_054012.4(ASS1):c.1087C>G (p.Arg363Gly)

Gene: ASS1 (argininosuccinate synthase 1; plus strand). Cytogenetic location: 9q34.11.
Variant type: single nucleotide variant.
Coding change: c.1087C>G on transcript NM_054012.4 (MANE Select); coding-DNA position 1087, C replaced by G.
Protein change: p.Arg363Gly; replaces arginine 363 with glycine.
Molecular consequence: missense variant.
Genome position (GRCh38, 1-based): chr9:130,494,983, C>G. VCF-style: chr9-130494983-C-G. GRCh37 (hg19) VCF-style: chr9-133370370-C-G.
Other names: c.1087C>G, p.Arg363Gly (NM_000050.4); short protein forms R363G.
Identifiers: ClinVar variation 847892 (VCV000847892.19), dbSNP rs121908640, ClinGen allele CA375232218.
Genomic context (GRCh38, chr9:130,494,983, plus strand): 5'-GAGCGAGTGGAAGGGAAAGTGCAGGTGTCCGTCCTCAAGGGCCAGGTGTACATCCTCGGC[C>G]GGGAGTCCCCACTGTCTCTCTACAATGAGGAGCTGGTGAGGTAGGTGCCCCACACCTCAT-3'
Protein context (NP_446464.1, residues 353-373): VLKGQVYILG[Arg363Gly]ESPLSLYNEE

ClinVar aggregate classification (germline): Conflicting classifications of pathogenicity. Review status: criteria provided, conflicting classifications (1 of 4 stars). 4 submissions from 4 submitters: Pathogenic (1); Likely pathogenic (2); Uncertain significance (1). Last evaluated 2025-09-07.

Conditions:
Citrullinemia. Identifiers: Orphanet 187, MedGen C0175683, MONDO:0015991.
Citrullinemia type I (CTNL1). Also called: ASS DEFICIENCY; argininosuccinate synthetase deficiency. Identifiers: Orphanet 247525, MedGen C4721769, MONDO:0008988, OMIM 215700.

Submissions (4):

Natera, Inc.
Classification: Likely pathogenic for Citrullinemia type I. Last evaluated: 2025-09-07. Review status: criteria provided, single submitter. Criteria: Natera Variant Classification Schema (03/2026). Collection method: clinical testing. Allele origin: germline.
Comment: The c.1087C>G variant in ASS1 is a missense variant predicted to cause substitution of arginine to glycine at amino acid 363. This variant is rare in the general population with a frequency below the threshold expected for the associated phenotype(s). This variant has been observed in one or more individuals affected with the associated recessive disease, as either homozygous or compound heterozygous with a second variant (PMID: 28111830). A different variant at the same position has been determined to be Pathogenic or Likely Pathogenic. Computational prediction algorithms indicate this variant is likely to affect gene or protein function. Given the available evidence, this variant is classified as Likely Pathogenic.

Fulgent Genetics
Classification: Pathogenic for Citrullinemia type I. Last evaluated: 2023-12-30. Review status: criteria provided, single submitter. Criteria: ACMG Guidelines, 2015. Collection method: clinical testing. Allele origin: germline.

Women's Health and Genetics/Laboratory Corporation of America, LabCorp
Classification: Likely pathogenic for Citrullinemia. Last evaluated: 2023-01-04. Review status: criteria provided, single submitter. Criteria: LabCorp Variant Classification Summary - May 2015. Collection method: clinical testing. Allele origin: germline.
Comment: Variant summary: ASS1 c.1087C>G (p.Arg363Gly) results in a non-conservative amino acid change in the encoded protein sequence, altering a highly conserved amino acid in a mutational hot spot, and other missense variants affecting this and nearby amino acids (R363Q/L/W, G362V) are found in association with Citrullinaemia (HGMD). One of these variants (c.1087C>T, p.Arg363Trp) has been classified as pathogenic by our laboratory, while another (c.1088G>A, p.Arg363Gln) is classified as pathogenic/likely pathogenic in ClinVar based on several other labs. These suggest the variant likely effects a functionally important region of the protein. Five of five in-silico tools predict a damaging effect of the variant on protein function. The variant was absent in 250206 control chromosomes (gnomAD). The available data on variant occurrences in the general population are insufficient to allow any conclusion about variant significance. c.1087C>G has been reported in the literature in an individual affected with severe Citrullinemia Type 1 (Gao_2003, Dies-Fernandez_2017), and this patient was reported as compound heterozygous with another (likely) pathogenic truncating variant. This suggests the variant is likely to be associated with disease. To our knowledge, no experimental evidence demonstrating an impact on protein function has been reported. One clinical diagnostic laboratory has submitted a clinical-significance assessment for this variant to ClinVar after 2014 without evidence for independent evaluation, classifying the variant as uncertain significance. Based on the evidence outlined above, the variant was classified as likely pathogenic.

Labcorp Genetics (formerly Invitae), Labcorp
Classification: Uncertain significance for Citrullinemia. Last evaluated: 2019-04-11. Review status: criteria provided, single submitter. Criteria: Invitae Variant Classification Sherloc (09022015). Collection method: clinical testing. Allele origin: germline.
Comment: This variant disrupts the p.Arg363 amino acid residue in ASS1. Another variant that disrupt this residue has been determined to be pathogenic (PMID: 16124451, 28111830, 26117549, 2358466, 14680976, 12815590, 25537548). This suggests that this residue is clinically significant, and that variants that disrupt this residue are likely to be disease-causing. This sequence change replaces arginine with glycine at codon 363 of the ASS1 protein (p.Arg363Gly). The arginine residue is moderately conserved and there is a moderate physicochemical difference between arginine and glycine. This variant is not present in population databases (ExAC no frequency). This variant has been observed in an individual affected with citrullinemia type I (PMID: 28111830). Algorithms developed to predict the effect of missense changes on protein structure and function are either unavailable or do not agree on the potential impact of this missense change (SIFT: "Deleterious"; PolyPhen-2: "Probably Damaging"; Align-GVGD: "Class C0"). In summary, the available evidence is currently insufficient to determine the role of this variant in disease. Therefore, it has been classified as a Variant of Uncertain Significance.

Literature cited by the submitters: PubMed 28111830 (cited by 3 submitters); PubMed 24508627 (cited by Women's Health and Genetics/Laboratory Corporation of America, LabCorp); PubMed 12815590 (cited by Women's Health and Genetics/Laboratory Corporation of America, LabCorp and Labcorp Genetics (formerly Invitae), Labcorp); PubMed 16124451 (cited by Labcorp Genetics (formerly Invitae), Labcorp); PubMed 26117549 (cited by Labcorp Genetics (formerly Invitae), Labcorp); PubMed 2358466 (cited by Labcorp Genetics (formerly Invitae), Labcorp); PubMed 14680976 (cited by Labcorp Genetics (formerly Invitae), Labcorp); PubMed 25537548 (cited by Labcorp Genetics (formerly Invitae), Labcorp).